The following is an entry in ClinVar:

NM_015378.4(VPS13D):c.3833C>G (p.Ser1278Cys)

Gene: VPS13D (vacuolar protein sorting 13 homolog D; plus strand). Cytogenetic location: 1p36.22.
Variant type: single nucleotide variant.
Coding change: c.3833C>G on transcript NM_015378.4 (MANE Select); coding-DNA position 3833, C replaced by G.
Protein change: p.Ser1278Cys; replaces serine 1278 with cysteine.
Molecular consequence: missense variant.
Genome position (GRCh38, 1-based): chr1:12,277,421, C>G. VCF-style: chr1-12277421-C-G. GRCh37 (hg19) VCF-style: chr1-12337478-C-G.
Other names: c.3833C>G, p.Ser1278Cys (NM_018156.4); c.3833C>G (NM_015378.3); short protein forms S1278C.
Identifiers: ClinVar variation 2213615 (VCV002213615.4), dbSNP rs767657371, ClinGen allele CA602027.

ClinVar aggregate classification (germline): Uncertain significance. Review status: criteria provided, multiple submitters, no conflicts (2 of 4 stars). 2 submissions from 2 submitters: Uncertain significance (2). Last evaluated 2025-06-23.

Conditions:
Inborn genetic diseases. Identifiers: MedGen C0950123, MeSH D030342.

Allele frequency attached by ClinVar (database versions not stated): gnomAD 0.00001; ExAC 0.00002; TOPMed 0.00002; gnomAD exomes 0.00001.
gnomAD v4.1: 12 of 1,614,090 alleles (0.00074%); highest among the groups gnomAD compares: East Asian, 0.0089%; no homozygotes.

Submissions (2):

GeneDx
Classification: Uncertain significance. Last evaluated: 2025-06-23. Review status: criteria provided, single submitter. Criteria: GeneDx Variant Classification Process June 2021. Collection method: clinical testing. Allele origin: germline. Affected: yes.
Comment: In silico analysis supports that this missense variant has a deleterious effect on protein structure/function; Has not been previously published as pathogenic or benign to our knowledge

Ambry Genetics
Classification: Uncertain significance for Inborn genetic diseases. Last evaluated: 2025-04-13. Review status: criteria provided, single submitter. Criteria: Ambry Variant Classification Scheme 2023. Collection method: clinical testing. Allele origin: germline.